The following is an entry in ClinVar:

NM_000642.3(AGL):c.3225del (p.Glu1076fs)

Gene: AGL (amylo-alpha-1,6-glucosidase and 4-alpha-glucanotransferase; plus strand). Cytogenetic location: 1p21.2.
Variant type: Deletion.
Coding change: c.3225del on transcript NM_000642.3 (MANE Select); coding-DNA position 3225, one base deleted (A; older notation c.3225delA).
Protein change: p.Glu1076fs; shifts the reading frame from glutamic acid 1076.
Molecular consequence: frameshift variant.
Genome position (GRCh38, 1-based): chr1:99,892,573, A deleted; the last of 4 consecutive A bases (chr1:99,892,570-99,892,573); deleting any one gives the same sequence. VCF-style (leftmost placement, unchanged base first): chr1-99892569-CA-C. GRCh37 (hg19) VCF-style: chr1-100358125-CA-C.
Other names: c.3225delA, p.Glu1076Lysfs (NM_000028.3, NM_000643.3, NM_000644.3 and 1 more transcripts); c.3177delA, p.Glu1060Lysfs (NM_000646.3); c.3204delA, p.Glu1069Lysfs (NM_001425326.1); c.3024delA, p.Glu1009Lysfs (NM_001425327.1); c.3021delA, p.Glu1008Lysfs (NM_001425328.1); c.2886delA, p.Glu963Lysfs (NM_001425329.1); c.2847delA, p.Glu950Lysfs (NM_001425332.1); short protein forms E1076fs, E1060fs.
Identifiers: ClinVar variation 2744972 (VCV002744972.3), dbSNP rs2524732601, ClinGen allele CA2697552558.

ClinVar aggregate classification (germline): Pathogenic (1 of 4 stars; one submission).

Conditions:
Glycogen storage disease type III (GSD3). Also called: Cori disease; FORBES DISEASE. Identifiers: Orphanet 366, MedGen C0017922, MONDO:0009291, OMIM 232400.

Submission:

Labcorp Genetics (formerly Invitae), Labcorp
Classification: Pathogenic for Glycogen storage disease type III. Last evaluated: 2023-07-19. Review status: criteria provided, single submitter. Criteria: Invitae Variant Classification Sherloc (09022015). Collection method: clinical testing. Allele origin: germline.
Comment: For these reasons, this variant has been classified as Pathogenic. This variant has not been reported in the literature in individuals affected with AGL-related conditions. This sequence change creates a premature translational stop signal (p.Glu1076Lysfs*9) in the AGL gene. It is expected to result in an absent or disrupted protein product. Loss-of-function variants in AGL are known to be pathogenic (PMID: 19299494). This variant is not present in population databases (gnomAD no frequency).

Literature cited by the submitters: PubMed 19299494.